The following is an entry in ClinVar:

ClinVar aggregate classification (germline): Likely benign (1 of 4 stars; one submission).

Submission:

CeGaT Center for Human Genetics Tuebingen
Classification: Likely benign. Last evaluated: 2023-02-01. Review status: criteria provided, single submitter. Criteria: CeGaT Center For Human Genetics Tuebingen Variant Classification Criteria Version 2. Collection method: clinical testing. Allele origin: germline. Affected: yes. Observed: 1 variant allele.
Comment: SCN4A: PM2:Supporting, BP4, BP7

NM_000334.4(SCN4A):c.1038G>A (p.Gly346=)

Gene: SCN4A (sodium voltage-gated channel alpha subunit 4; minus strand). Cytogenetic location: 17q23.3.
Variant type: single nucleotide variant.
Coding change: c.1038G>A on transcript NM_000334.4 (MANE Select); coding-DNA position 1038, G replaced by A.
Protein change: p.Gly346=; no amino-acid change (glycine 346 retained).
Molecular consequence: synonymous variant.
Genome position (GRCh38, 1-based): chr17:63,966,543, C>T on the plus strand (G>A on the coding strand, the complement: SCN4A is on the minus strand). VCF-style: chr17-63966543-C-T. GRCh37 (hg19) VCF-style: chr17-62043903-C-T.
Identifiers: ClinVar variation 2648095 (VCV002648095.24), dbSNP rs1297965202, ClinGen allele CA501226595.